The following is an entry in ClinVar:

NM_173477.5(USH1G):c.724C>G (p.Arg242Gly)

Gene: USH1G (USH1 protein network component sans; minus strand). Cytogenetic location: 17q25.1.
Variant type: single nucleotide variant.
Coding change: c.724C>G on transcript NM_173477.5 (MANE Select); coding-DNA position 724, C replaced by G.
Protein change: p.Arg242Gly; replaces arginine 242 with glycine.
Molecular consequence: missense variant.
Genome position (GRCh38, 1-based): chr17:74,920,112, G>C on the plus strand (C>G on the coding strand, the complement: USH1G is on the minus strand). VCF-style: chr17-74920112-G-C. GRCh37 (hg19) VCF-style: chr17-72916207-G-C.
Other names: c.415C>G, p.Arg139Gly (NM_001282489.3); short protein forms R242G, R139G.
Identifiers: ClinVar variation 852360 (VCV000852360.12), dbSNP rs753272581, ClinGen allele CA8754016.

ClinVar aggregate classification (germline): Uncertain significance. Review status: criteria provided, multiple submitters, no conflicts (2 of 4 stars). 2 submissions from 2 submitters: Uncertain significance (2). Last evaluated 2022-11-01.

Allele frequency attached by ClinVar (database versions not stated): ExAC 0.00001; gnomAD exomes 0.00001.
gnomAD v4.1: 2 of 1,602,980 alleles (0.00012%); highest among the groups gnomAD compares: Admixed American, 0.0033%; no homozygotes.

Submissions (2):

GeneDx
Classification: Uncertain significance. Last evaluated: 2022-11-01. Review status: criteria provided, single submitter. Criteria: GeneDx Variant Classification Process June 2021. Collection method: clinical testing. Allele origin: germline. Affected: yes.
Comment: Not observed at significant frequency in large population cohorts (gnomAD); In silico analysis supports that this missense variant has a deleterious effect on protein structure/function; Has not been previously published as pathogenic or benign to our knowledge

Labcorp Genetics (formerly Invitae), Labcorp
Classification: Uncertain significance. Last evaluated: 2022-06-20. Review status: criteria provided, single submitter. Criteria: Invitae Variant Classification Sherloc (09022015). Collection method: clinical testing. Allele origin: germline.
Comment: This sequence change replaces arginine, which is basic and polar, with glycine, which is neutral and non-polar, at codon 242 of the USH1G protein (p.Arg242Gly). This variant is present in population databases (rs753272581, gnomAD 0.006%). In summary, the available evidence is currently insufficient to determine the role of this variant in disease. Therefore, it has been classified as a Variant of Uncertain Significance. Algorithms developed to predict the effect of missense changes on protein structure and function are either unavailable or do not agree on the potential impact of this missense change (SIFT: "Not Available"; PolyPhen-2: "Probably Damaging"; Align-GVGD: "Not Available"). ClinVar contains an entry for this variant (Variation ID: 852360). This variant has not been reported in the literature in individuals affected with USH1G-related conditions.